The following is an entry in ClinVar:

NM_016213.5(TRIP4):c.31C>T (p.Pro11Ser)

Gene: TRIP4 (thyroid hormone receptor interactor 4; plus strand). Cytogenetic location: 15q22.31.
Variant type: single nucleotide variant.
Coding change: c.31C>T on transcript NM_016213.5 (MANE Select); coding-DNA position 31, C replaced by T.
Protein change: p.Pro11Ser; replaces proline 11 with serine.
Molecular consequence: missense variant. On other transcripts: 5 prime UTR variant (1), non-coding transcript variant (1).
Genome position (GRCh38, 1-based): chr15:64,387,894, C>T. VCF-style: chr15-64387894-C-T. GRCh37 (hg19) VCF-style: chr15-64680093-C-T.
Other names: c.-744C>T (NM_001321924.2); short protein forms P11S.
Identifiers: ClinVar variation 1372203 (VCV001372203.5), dbSNP rs147496975, ClinGen allele CA7609269.

ClinVar aggregate classification (germline): Uncertain significance (1 of 4 stars; one submission).

Allele frequency attached by ClinVar (database versions not stated): gnomAD 0.00007 and 0.00009; ESP Exome Variant Server 0.00008; ExAC 0.00010; gnomAD exomes 0.00010 and 0.00023; TOPMed 0.00011.
gnomAD v4.1: 320 of 1,549,206 alleles (0.021%); highest among the groups gnomAD compares: Non-Finnish European, 0.027%; no homozygotes.

Submission:

Labcorp Genetics (formerly Invitae), Labcorp
Classification: Uncertain significance. Last evaluated: 2022-07-22. Review status: criteria provided, single submitter. Criteria: Invitae Variant Classification Sherloc (09022015). Collection method: clinical testing. Allele origin: germline.
Comment: This sequence change replaces proline, which is neutral and non-polar, with serine, which is neutral and polar, at codon 11 of the TRIP4 protein (p.Pro11Ser). This variant is present in population databases (rs147496975, gnomAD 0.02%). This variant has not been reported in the literature in individuals affected with TRIP4-related conditions. ClinVar contains an entry for this variant (Variation ID: 1372203). Algorithms developed to predict the effect of missense changes on protein structure and function output the following: SIFT: "Tolerated"; PolyPhen-2: "Benign"; Align-GVGD: "Class C0". The serine amino acid residue is found in multiple mammalian species, which suggests that this missense change does not adversely affect protein function. In summary, the available evidence is currently insufficient to determine the role of this variant in disease. Therefore, it has been classified as a Variant of Uncertain Significance.